The following is an entry in ClinVar:

NM_001384140.1(PCDH15):c.679C>T (p.Arg227Cys)

Gene: PCDH15 (protocadherin related 15; minus strand). Cytogenetic location: 10q21.1.
Variant type: single nucleotide variant.
Coding change: c.679C>T on transcript NM_001384140.1 (MANE Select); coding-DNA position 679, C replaced by T.
Protein change: p.Arg227Cys; replaces arginine 227 with cysteine.
Molecular consequence: missense variant. On other transcripts: intron variant (1).
Genome position (GRCh38, 1-based): chr10:54,329,622, G>A on the plus strand (C>T on the coding strand, the complement: PCDH15 is on the minus strand). VCF-style: chr10-54329622-G-A. GRCh37 (hg19) VCF-style: chr10-56089382-G-A.
Other names: c.679C>T, p.Arg227Cys (NM_001142764.2, NM_001142765.2, NM_001142766.2 and 7 more transcripts); c.613C>T, p.Arg205Cys (NM_001142768.2, NM_001142773.2, NM_001354404.2); c.694C>T, p.Arg232Cys (NM_001142769.4, NM_001142771.2, NM_001142763.2); c.595-12181C>T (NM_001142767.2); short protein forms R227C, R205C, R232C.
Identifiers: ClinVar variation 179459 (VCV000179459.20), dbSNP rs565693539, ClinGen allele CA184459.
Genomic context (GRCh38, chr10:54,329,622, plus strand): 5'-CACAGAAGAAATTTAAAAGAAATTGAATACTCACATTAGCTTGGATTATGACAAAGTAGC[G>A]AGTCTTATCTTCATAGTTGAGCCTCTTCCTTAACACTATATTTCCAGTCAACATTAGGGG-3'
Protein context (NP_001371069.1, residues 217-237): RKRLNYEDKT[Arg227Cys]YFVIIQANDR

ClinVar aggregate classification (germline): Uncertain significance. Review status: criteria provided, multiple submitters, no conflicts (2 of 4 stars). 7 submissions from 7 submitters: Uncertain significance (6). 1 of the submissions does not count toward it. Last evaluated 2025-05-02.

Conditions:
Usher syndrome type 1F (USH1F). Also called: USHER SYNDROME, TYPE IF. Identifiers: Orphanet 231169, Orphanet 886, MedGen C1865885, MONDO:0011186, OMIM 602083.
Inborn genetic diseases. Identifiers: MedGen C0950123, MeSH D030342.

Allele frequency attached by ClinVar (database versions not stated): ExAC 0.00002; gnomAD exomes 0.00002 and 0.00007; gnomAD 0.00004 and 0.00005; TOPMed 0.00006.

Submissions (7):

GeneDx
Classification: Uncertain significance. Last evaluated: 2025-05-02. Review status: criteria provided, single submitter. Criteria: GeneDx Variant Classification Process June 2021. Collection method: clinical testing. Allele origin: germline. Affected: yes.
Comment: In silico analysis supports that this missense variant has a deleterious effect on protein structure/function; Has not been previously published as pathogenic or benign to our knowledge

Ambry Genetics
Classification: Uncertain significance for Inborn genetic diseases. Last evaluated: 2025-03-26. Review status: criteria provided, single submitter. Criteria: Ambry Variant Classification Scheme 2023. Collection method: clinical testing. Allele origin: germline.

Blueprint Genetics
Classification: Uncertain significance. Last evaluated: 2022-10-19. Review status: criteria provided, single submitter. Criteria: ACMG Guidelines, 2015. Collection method: clinical testing. Allele origin: germline.

Labcorp Genetics (formerly Invitae), Labcorp
Classification: Uncertain significance. Last evaluated: 2022-08-12. Review status: criteria provided, single submitter. Criteria: Invitae Variant Classification Sherloc (09022015). Collection method: clinical testing. Allele origin: germline.
Comment: This sequence change replaces arginine, which is basic and polar, with cysteine, which is neutral and slightly polar, at codon 227 of the PCDH15 protein (p.Arg227Cys). This variant is present in population databases (rs565693539, gnomAD 0.04%). This variant has not been reported in the literature in individuals affected with PCDH15-related conditions. ClinVar contains an entry for this variant (Variation ID: 179459). Algorithms developed to predict the effect of missense changes on protein structure and function are either unavailable or do not agree on the potential impact of this missense change (SIFT: "Deleterious"; PolyPhen-2: "Probably Damaging"; Align-GVGD: "Class C0"). In summary, the available evidence is currently insufficient to determine the role of this variant in disease. Therefore, it has been classified as a Variant of Uncertain Significance.

Laboratory for Molecular Medicine, Mass General Brigham Personalized Medicine
Classification: Uncertain significance. Last evaluated: 2018-10-09. Review status: criteria provided, single submitter. Criteria: LMM Criteria. Collection method: clinical testing. Allele origin: germline. Observed: 3 variant alleles.
Comment: The p.Arg227Cys variant in PCDH15 has been identified in the heterozygous state in two individuals with hearing loss, one of whom had clinical features of Usher syndrome but was found to have an alternate genetic etiology (LMM data). This v ariant has also been identified in 0.04% (14/34350) of Latino chromosomes by gno mAD and has been reported in ClinVar (Variati on ID 179459). Computational prediction tools and conservation analysis do not p rovide strong support for or against an impact to the protein. In summary, the c linical significance of the p.Arg227Cys variant is uncertain. ACMG/AMP Criteria applied: PM2_Supporting.

Eurofins Ntd Llc (ga)
Classification: Uncertain significance. Last evaluated: 2016-06-11. Review status: criteria provided, single submitter. Criteria: EGL Classification Definitions 2015. Collection method: clinical testing. Allele origin: germline. Observed: 1 variant allele, 1 heterozygote.

Natera, Inc.
Classification: Uncertain significance for Usher syndrome type 1F. Last evaluated: 2020-09-16. Review status: no assertion criteria provided. Collection method: clinical testing. Allele origin: germline. Not counted in ClinVar's aggregate classification.